The following is an entry in ClinVar:

NM_002519.3(NPAT):c.1744A>G (p.Ile582Val)

Gene: NPAT (nuclear protein, coactivator of histone transcription; minus strand). Cytogenetic location: 11q22.3.
Variant type: single nucleotide variant.
Coding change: c.1744A>G on transcript NM_002519.3 (MANE Select); coding-DNA position 1744, A replaced by G.
Protein change: p.Ile582Val; replaces isoleucine 582 with valine.
Molecular consequence: missense variant.
Genome position (GRCh38, 1-based): chr11:108,173,240, T>C on the plus strand (A>G on the coding strand, the complement: NPAT is on the minus strand). VCF-style: chr11-108173240-T-C. GRCh37 (hg19) VCF-style: chr11-108043967-T-C.
Other names: c.1744A>G, p.Ile582Val (NM_001321307.1); short protein forms I582V.
Identifiers: ClinVar variation 1779252 (VCV001779252.2), dbSNP rs2496720060, ClinGen allele CA382514452.
Genomic context (GRCh38, chr11:108,173,240, plus strand): 5'-GAAGACAAGAATTATCTTGGCAATTTGATAGCTGTGACATAACTGGTTCTAACACATTAA[T>C]TTCTATTTTACTCTTGTGAACTTCACTAGAATCTGATGACTTGGAACCATGAAAATTAAT-3'
Protein context (NP_002510.2, residues 572-592): SSEVHKSKIE[Ile582Val]NVLEPVMSQL

ClinVar aggregate classification (germline): Uncertain significance (1 of 4 stars; one submission).

Allele frequency attached by ClinVar (database versions not stated): gnomAD exomes below 0.00001.
gnomAD v4.1: 1 of 1,613,058 alleles (0.000062%); highest among the groups gnomAD compares: Non-Finnish European, 0.000085%; no homozygotes.

Submission:

Ambry Genetics
Classification: Uncertain significance. Last evaluated: 2024-01-30. Review status: criteria provided, single submitter. Criteria: Ambry Variant Classification Scheme 2023. Collection method: clinical testing. Allele origin: germline.
Comment: The p.I582V variant (also known as c.1744A>G), located in coding exon 13 of the NPAT gene, results from an A to G substitution at nucleotide position 1744. The isoleucine at codon 582 is replaced by valine, an amino acid with highly similar properties. This amino acid position is conserved. In addition, this alteration is predicted to be tolerated by in silico analysis. Since supporting evidence is limited at this time, the clinical significance of this alteration remains unclear.